The following is an entry in ClinVar:

ClinVar aggregate classification (germline): Uncertain significance (1 of 4 stars; one submission).

Submission:

GeneDx
Classification: Uncertain significance. Last evaluated: 2022-04-27. Review status: criteria provided, single submitter. Criteria: GeneDx Variant Classification Process June 2021. Collection method: clinical testing. Allele origin: germline. Affected: yes.
Comment: Not observed at significant frequency in large population cohorts (gnomAD); Canonical splice site variant in a gene or region of a gene for which loss of function is not a well-established mechanism of disease; Has not been previously published as pathogenic or benign to our knowledge; Variants in candidate genes are classified as variants of uncertain significance in accordance with ACMG guidelines (Richards et al., 2015)

NM_001146156.2(GSK3B):c.713_715+2del

Gene: GSK3B (glycogen synthase kinase 3 beta; minus strand). Cytogenetic location: 3q13.33.
Variant type: Deletion.
Coding change: c.713_715+2del on transcript NM_001146156.2 (MANE Select); coding-DNA position 713 through the canonical splice donor site of the intron after coding-DNA position 715, 5 bases deleted (TAGGT; older notation c.713_715+2delTAGGT).
Molecular consequence: splice donor variant.
Genome position (GRCh38, 1-based): chr3:119,912,702-119,912,706, ACCTA deleted on the plus strand (TAGGT on the coding strand, the reverse complement: GSK3B is on the minus strand). VCF-style (leftmost placement, unchanged base first): chr3-119912701-TACCTA-T. GRCh37 (hg19) VCF-style: chr3-119631548-TACCTA-T.
Other names: c.713_715+2del (NM_001354596.2, NM_002093.4).
Identifiers: ClinVar variation 3390613 (VCV003390613.1).